The following is an entry in ClinVar:

NM_017612.5(ZCCHC8):c.1844C>T (p.Ala615Val)

Gene: ZCCHC8 (zinc finger CCHC-type containing 8; minus strand). Cytogenetic location: 12q24.31.
Variant type: single nucleotide variant.
Coding change: c.1844C>T on transcript NM_017612.5 (MANE Select); coding-DNA position 1844, C replaced by T.
Protein change: p.Ala615Val; replaces alanine 615 with valine.
Molecular consequence: missense variant.
Genome position (GRCh38, 1-based): chr12:122,473,777, G>A on the plus strand (C>T on the coding strand, the complement: ZCCHC8 is on the minus strand). VCF-style: chr12-122473777-G-A. GRCh37 (hg19) VCF-style: chr12-122958324-G-A.
Other names: c.1613C>T, p.Ala538Val (NM_001350935.2); c.1547C>T, p.Ala516Val (NM_001350936.2); c.1130C>T, p.Ala377Val (NM_001350937.2, NM_001350938.2); short protein forms A377V, A615V, A516V, A538V.
Identifiers: ClinVar variation 2093691 (VCV002093691.4), dbSNP rs772005024, ClinGen allele CA6846084.

ClinVar aggregate classification (germline): Uncertain significance (1 of 4 stars; one submission).

Allele frequency attached by ClinVar (database versions not stated): gnomAD exomes below 0.00001; ExAC 0.00002.

Submission:

Labcorp Genetics (formerly Invitae), Labcorp
Classification: Uncertain significance. Last evaluated: 2023-05-07. Review status: criteria provided, single submitter. Criteria: Invitae Variant Classification Sherloc (09022015). Collection method: clinical testing. Allele origin: germline.
Comment: Advanced modeling of protein sequence and biophysical properties (such as structural, functional, and spatial information, amino acid conservation, physicochemical variation, residue mobility, and thermodynamic stability) performed at Invitae indicates that this missense variant is not expected to disrupt ZCCHC8 protein function. In summary, the available evidence is currently insufficient to determine the role of this variant in disease. Therefore, it has been classified as a Variant of Uncertain Significance. ClinVar contains an entry for this variant (Variation ID: 2093691). This sequence change replaces alanine, which is neutral and non-polar, with valine, which is neutral and non-polar, at codon 615 of the ZCCHC8 protein (p.Ala615Val). This variant is present in population databases (rs772005024, gnomAD 0.006%). This variant has not been reported in the literature in individuals affected with ZCCHC8-related conditions.